The following is an entry in ClinVar:

NM_032119.4(ADGRV1):c.13333C>T (p.Pro4445Ser)

Gene: ADGRV1 (adhesion G protein-coupled receptor V1; plus strand). Cytogenetic location: 5q14.3.
Variant type: single nucleotide variant.
Coding change: c.13333C>T on transcript NM_032119.4 (MANE Select); coding-DNA position 13333, C replaced by T.
Protein change: p.Pro4445Ser; replaces proline 4445 with serine.
Molecular consequence: missense variant. On other transcripts: non-coding transcript variant (1).
Genome position (GRCh38, 1-based): chr5:90,783,225, C>T. VCF-style: chr5-90783225-C-T. GRCh37 (hg19) VCF-style: chr5-90079042-C-T.
Other names: short protein forms P4445S.
Identifiers: ClinVar variation 1063485 (VCV001063485.8), dbSNP rs2150102602, ClinGen allele CA360393992.
Genomic context (GRCh38, chr5:90,783,225, plus strand): 5'-CTACATGGAACTTATGGCTATGTGACAGCTGATTTCATCTCTCAGAGCTCCTCTGCCAGT[C>T]CCGGAGGTGTTGATTACATTTTGCATGGCAGTACAGTCACCTTTCAGCATGGGCAAAACT-3'
Protein context (NP_115495.3, residues 4435-4455): DFISQSSSAS[Pro4445Ser]GGVDYILHGS

ClinVar aggregate classification (germline): Uncertain significance (1 of 4 stars; one submission).

gnomAD v4.1: 3 of 1,613,514 alleles (0.00019%); highest among the groups gnomAD compares: Non-Finnish European, 0.00017%; no homozygotes.

Submission:

Labcorp Genetics (formerly Invitae), Labcorp
Classification: Uncertain significance. Last evaluated: 2025-03-10. Review status: criteria provided, single submitter. Criteria: Invitae Variant Classification Sherloc (09022015). Collection method: clinical testing. Allele origin: germline.
Comment: This sequence change replaces proline, which is neutral and non-polar, with serine, which is neutral and polar, at codon 4445 of the ADGRV1 protein (p.Pro4445Ser). This variant is not present in population databases (gnomAD no frequency). This variant has not been reported in the literature in individuals affected with ADGRV1-related conditions. ClinVar contains an entry for this variant (Variation ID: 1063485). Invitae Evidence Modeling of protein sequence and biophysical properties (such as structural, functional, and spatial information, amino acid conservation, physicochemical variation, residue mobility, and thermodynamic stability) indicates that this missense variant is not expected to disrupt ADGRV1 protein function with a negative predictive value of 95%. In summary, the available evidence is currently insufficient to determine the role of this variant in disease. Therefore, it has been classified as a Variant of Uncertain Significance.